The following is an entry in ClinVar:

ClinVar aggregate classification (germline): Uncertain significance. Review status: criteria provided, multiple submitters, no conflicts (2 of 4 stars). 4 submissions from 4 submitters: Uncertain significance (4). Last evaluated 2024-11-13.

Conditions:
Spermatogenic failure 18. Identifiers: MedGen C4539783, MONDO:0054615, OMIM 617576.
Ciliary dyskinesia, primary, 37 (CILD37). Also called: CILIARY DYSKINESIA, PRIMARY, 37, WITH OR WITHOUT SITUS INVERSUS. Identifiers: MedGen C4539798, MONDO:0033204, OMIM 617577.

Allele frequency attached by ClinVar (database versions not stated): gnomAD 0.00005 and 0.00004; ExAC 0.00011; TOPMed 0.00003; gnomAD exomes 0.00004 and 0.00024.
gnomAD v4.1: 342 of 1,591,096 alleles (0.021%); highest among the groups gnomAD compares: Non-Finnish European, 0.029%; no homozygotes.

Submissions (4):

Ambry Genetics
Classification: Uncertain significance. Last evaluated: 2024-11-13. Review status: criteria provided, single submitter. Criteria: Ambry Variant Classification Scheme 2023. Collection method: clinical testing. Allele origin: germline.

Mayo Clinic Laboratories, Mayo Clinic
Classification: Uncertain significance. Last evaluated: 2023-10-11. Review status: criteria provided, single submitter. Criteria: ACMG Guidelines, 2015. Collection method: clinical testing. Allele origin: germline. Observed: 1 variant allele.

Blueprint Genetics
Classification: Uncertain significance. Last evaluated: 2023-01-13. Review status: criteria provided, single submitter. Criteria: ACMG Guidelines, 2015. Collection method: clinical testing. Allele origin: germline.

Labcorp Genetics (formerly Invitae), Labcorp
Classification: Uncertain significance for Ciliary dyskinesia, primary, 37; Spermatogenic failure 18. Last evaluated: 2022-03-13. Review status: criteria provided, single submitter. Criteria: Invitae Variant Classification Sherloc (09022015). Collection method: clinical testing. Allele origin: germline.
Comment: This variant has not been reported in the literature in individuals affected with DNAH1-related conditions. ClinVar contains an entry for this variant (Variation ID: 663109). Algorithms developed to predict the effect of missense changes on protein structure and function are either unavailable or do not agree on the potential impact of this missense change (SIFT: "Deleterious"; PolyPhen-2: "Probably Damaging"; Align-GVGD: "Class C0"). In summary, the available evidence is currently insufficient to determine the role of this variant in disease. Therefore, it has been classified as a Variant of Uncertain Significance. This variant is present in population databases (rs761794737, gnomAD 0.007%). This sequence change replaces tyrosine, which is neutral and polar, with cysteine, which is neutral and slightly polar, at codon 2978 of the DNAH1 protein (p.Tyr2978Cys).

NM_015512.5(DNAH1):c.8933A>G (p.Tyr2978Cys)

Gene: DNAH1 (dynein axonemal heavy chain 1; plus strand). Cytogenetic location: 3p21.1.
Variant type: single nucleotide variant.
Coding change: c.8933A>G on transcript NM_015512.5 (MANE Select); coding-DNA position 8933, A replaced by G.
Protein change: p.Tyr2978Cys; replaces tyrosine 2978 with cysteine.
Molecular consequence: missense variant.
Genome position (GRCh38, 1-based): chr3:52,386,783, A>G. VCF-style: chr3-52386783-A-G. GRCh37 (hg19) VCF-style: chr3-52420799-A-G.
Other names: p.Tyr2978Cys; short protein forms Y2978C.
Identifiers: ClinVar variation 663109 (VCV000663109.9), dbSNP rs761794737, ClinGen allele CA2435343.